The following is an entry in ClinVar:

ClinVar aggregate classification (germline): Conflicting classifications of pathogenicity. Review status: criteria provided, conflicting classifications (1 of 4 stars). 5 submissions from 5 submitters: Uncertain significance (2); Likely benign (2). 1 of the submissions does not count toward it. Last evaluated 2026-06-26.

Conditions:
Imerslund-Grasbeck syndrome type 1 (IGS1). Also called: Imerslund-Gräsbeck syndrome 1; MEGALOBLASTIC ANEMIA, 1; Megaloblastic anemia 1, Finnish type. Identifiers: MedGen C4016819, MONDO:0100156, OMIM 261100.
Inborn genetic diseases. Identifiers: MedGen C0950123, MeSH D030342.
CUBN-related disorder. Also called: CUBN-related condition.
Imerslund-Grasbeck syndrome. Also called: Megaloblastic anemia due to inborn errors of metabolism; Imerslund-Gräsbeck syndrome; PERNICIOUS ANEMIA, JUVENILE, DUE TO SELECTIVE INTESTINAL MALABSORPTION OF VITAMIN B12, WITH PROTEINURIA; ENTEROCYTE COBALAMIN MALABSORPTION; ENTEROCYTE INTRINSIC FACTOR RECEPTOR, DEFECT OF. Identifiers: Orphanet 35858, MedGen C4551825, MONDO:0009853.

Allele frequency attached by ClinVar (database versions not stated): ESP Exome Variant Server 0.00008; gnomAD exomes 0.00010 and 0.00036; gnomAD 0.00031 and 0.00033; TOPMed 0.00034; ExAC 0.00035; 1000 Genomes Project 30x 0.00094; 1000 Genomes Project 0.00120.
gnomAD v4.1: 222 of 1,614,118 alleles (0.014%); highest among the groups gnomAD compares: East Asian, 0.25%; 1 homozygote.

Submissions (5):

Women's Health and Genetics/Laboratory Corporation of America, LabCorp
Classification: Likely benign. Last evaluated: 2026-06-26. Review status: criteria provided, single submitter. Criteria: LabCorp Variant Classification Summary - May 2015. Collection method: clinical testing. Allele origin: germline.
Comment: Variant summary: CUBN c.9335T>C (p.Phe3112Ser) results in a non-conservative amino acid change in the encoded protein sequence. Algorithms developed to predict the effect of missense changes on protein structure and function are either unavailable or do not agree on the potential impact of this missense change. The variant allele was found at a frequency of 0.00036 in 251334 control chromosomes, predominantly at a frequency of 0.0035 within the East Asian subpopulation in the gnomAD database. The observed variant frequency within East Asian control individuals in the gnomAD database exceeds the estimated maximal expected allele frequency for disease-causing variants in CUBN. c.9335T>C has been observed in individual(s) affected with nephrotic syndrome (Wang_2017, Crawford_2017). These reports do not provide unequivocal conclusions about association of the variant with disease. To our knowledge, no experimental evidence demonstrating an impact on protein function has been reported. The following publications have been ascertained in the context of this evaluation (PMID: 27766458, 28204945). ClinVar contains an entry for this variant (Variation ID: 877325). Based on the evidence outlined above, the variant was classified as likely benign.

Labcorp Genetics (formerly Invitae), Labcorp
Classification: Likely benign for Imerslund-Grasbeck syndrome. Last evaluated: 2026-02-01. Review status: criteria provided, single submitter. Criteria: Invitae Variant Classification Sherloc (09022015). Collection method: clinical testing. Allele origin: germline.

Ambry Genetics
Classification: Uncertain significance for Inborn genetic diseases. Last evaluated: 2025-05-01. Review status: criteria provided, single submitter. Criteria: Ambry Variant Classification Scheme 2023. Collection method: clinical testing. Allele origin: germline.

Illumina Laboratory Services, Illumina
Classification: Uncertain significance for Imerslund-Grasbeck syndrome type 1. Last evaluated: 2018-01-13. Review status: criteria provided, single submitter. Criteria: ICSL Variant Classification Criteria 13 December 2019. Collection method: clinical testing. Allele origin: germline.

PreventionGenetics, part of Exact Sciences
Classification: Likely benign for CUBN-related condition. Last evaluated: 2024-04-15. Review status: no assertion criteria provided. Collection method: clinical testing. Allele origin: germline. Not counted in ClinVar's aggregate classification.
Comment: This variant is classified as likely benign based on ACMG/AMP sequence variant interpretation guidelines (Richards et al. 2015 PMID: 25741868, with internal and published modifications).

Literature cited by the submitters: PubMed 28204945 (cited by Women's Health and Genetics/Laboratory Corporation of America, LabCorp and Ambry Genetics); PubMed 27766458 (cited by Women's Health and Genetics/Laboratory Corporation of America, LabCorp).

NM_001081.4(CUBN):c.9335T>C (p.Phe3112Ser)

Gene: CUBN (cubilin; minus strand). Cytogenetic location: 10p13.
Variant type: single nucleotide variant.
Coding change: c.9335T>C on transcript NM_001081.4 (MANE Select); coding-DNA position 9335, T replaced by C.
Protein change: p.Phe3112Ser; replaces phenylalanine 3112 with serine.
Molecular consequence: missense variant.
Genome position (GRCh38, 1-based): chr10:16,869,755, A>G on the plus strand (T>C on the coding strand, the complement: CUBN is on the minus strand). VCF-style: chr10-16869755-A-G. GRCh37 (hg19) VCF-style: chr10-16911754-A-G.
Other names: short protein forms F3112S.
Identifiers: ClinVar variation 877325 (VCV000877325.14), dbSNP rs150985118, ClinGen allele CA5422733.